The following is an entry in ClinVar:

NM_001009944.3(PKD1):c.11135G>A (p.Arg3712Gln)

Genes: PKD1 (polycystin 1, transient receptor potential channel interacting; minus strand), PKD1-AS1 (PKD1 antisense RNA 1; plus strand). Cytogenetic location: 16p13.3.
Variant type: single nucleotide variant.
Coding change: c.11135G>A on transcript NM_001009944.3 (MANE Select); coding-DNA position 11135, G replaced by A.
Protein change: p.Arg3712Gln; replaces arginine 3712 with glutamine.
Molecular consequence: missense variant. On other transcripts: non-coding transcript variant (1).
Genome position (GRCh38, 1-based): chr16:2,092,975, C>T on the plus strand (G>A on the coding strand, the complement: PKD1 is on the minus strand). VCF-style: chr16-2092975-C-T. GRCh37 (hg19) VCF-style: chr16-2142976-C-T.
Other names: c.11132G>A, p.Arg3711Gln (NM_000296.4); c.11132G>A (NM_000296.3); short protein forms R3711Q, R3712Q.
Identifiers: ClinVar variation 1700760 (VCV001700760.6), dbSNP rs144624467, ClinGen allele CA7829301.

ClinVar aggregate classification (germline): Conflicting classifications of pathogenicity. Review status: criteria provided, conflicting classifications (1 of 4 stars). 3 submissions from 3 submitters: Uncertain significance (2); Likely benign (1). Last evaluated 2024-01-03.

Conditions:
Inborn genetic diseases. Identifiers: MedGen C0950123, MeSH D030342.

Allele frequency attached by ClinVar (database versions not stated): TOPMed 0.00009; gnomAD 0.00011 and 0.00009; ESP Exome Variant Server 0.00038; gnomAD exomes 0.00001 and 0.00004; ExAC 0.00006.
gnomAD v4.1: 31 of 1,612,862 alleles (0.0019%); highest among the groups gnomAD compares: African/African-American, 0.029%; no homozygotes.

Submissions (3):

Genetic Services Laboratory, University of Chicago
Classification: Uncertain significance. Last evaluated: 2024-01-03. Review status: criteria provided, single submitter. Criteria: ACMG Guidelines, 2015. Collection method: clinical testing. Allele origin: germline. Affected: no.
Comment: DNA sequence analysis of the PKD1 gene demonstrated a sequence change, c.11135G>A, in exon 38 that results in an amino acid change, p.Arg3712Gln. This sequence change does not appear to have been previously described in individuals with PKD1-related disorders. This sequence change has been described in the gnomAD database with a frequency of 0.04% in the African/African-American subpopulation (dbSNP rs144624467). The p.Arg3712Gln change affects a poorly conserved amino acid residue located in a domain of the PKD1 protein that is known to be functional. The p.Arg3712Gln substitution appears to be benign using several in-silico pathogenicity prediction tools (SIFT, PolyPhen2, Align GVGD, REVEL). Due to insufficient evidence and the lack of functional studies, the clinical significance of the p.Arg3712Gln change remains unknown at this time.

Ambry Genetics
Classification: Likely benign for Inborn genetic diseases. Last evaluated: 2023-03-01. Review status: criteria provided, single submitter. Criteria: Ambry Variant Classification Scheme 2023. Collection method: clinical testing. Allele origin: germline.

GeneDx
Classification: Uncertain significance. Last evaluated: 2022-02-11. Review status: criteria provided, single submitter. Criteria: GeneDx Variant Classification Process June 2021. Collection method: clinical testing. Allele origin: germline. Affected: yes.
Comment: In silico analysis supports that this missense variant does not alter protein structure/function; Has not been previously published as pathogenic or benign to our knowledge